The following is an entry in ClinVar:

NM_019098.5(CNGB3):c.1549A>C (p.Ser517Arg)

Gene: CNGB3 (cyclic nucleotide gated channel subunit beta 3; minus strand). Cytogenetic location: 8q21.3.
Variant type: single nucleotide variant.
Coding change: c.1549A>C on transcript NM_019098.5 (MANE Select); coding-DNA position 1549, A replaced by C.
Protein change: p.Ser517Arg; replaces serine 517 with arginine.
Molecular consequence: missense variant.
Genome position (GRCh38, 1-based): chr8:86,626,012, T>G on the plus strand (A>C on the coding strand, the complement: CNGB3 is on the minus strand). VCF-style: chr8-86626012-T-G. GRCh37 (hg19) VCF-style: chr8-87638240-T-G.
Other names: c.1549A>C (NM_019098.4); short protein forms S517R.
Identifiers: ClinVar variation 1352415 (VCV001352415.7), dbSNP rs1822838874, ClinGen allele CA371442054.

ClinVar aggregate classification (germline): Uncertain significance. Review status: criteria provided, multiple submitters, no conflicts (2 of 4 stars). 3 submissions from 3 submitters: Uncertain significance (3). Last evaluated 2025-10-24.

Conditions:
Inborn genetic diseases. Identifiers: MedGen C0950123, MeSH D030342.

Submissions (3):

Ambry Genetics
Classification: Uncertain significance for Inborn genetic diseases. Last evaluated: 2025-10-24. Review status: criteria provided, single submitter. Criteria: Ambry Variant Classification Scheme 2023. Collection method: clinical testing. Allele origin: germline.

Blueprint Genetics
Classification: Uncertain significance. Last evaluated: 2022-05-20. Review status: criteria provided, single submitter. Criteria: ACMG Guidelines, 2015. Collection method: clinical testing. Allele origin: germline.

Labcorp Genetics (formerly Invitae), Labcorp
Classification: Uncertain significance. Last evaluated: 2022-01-12. Review status: criteria provided, single submitter. Criteria: Invitae Variant Classification Sherloc (09022015). Collection method: clinical testing. Allele origin: germline.
Comment: This sequence change replaces serine, which is neutral and polar, with arginine, which is basic and polar, at codon 517 of the CNGB3 protein (p.Ser517Arg). This variant is not present in population databases (gnomAD no frequency). This variant has not been reported in the literature in individuals affected with CNGB3-related conditions. Algorithms developed to predict the effect of missense changes on protein structure and function (SIFT, PolyPhen-2, Align-GVGD) all suggest that this variant is likely to be tolerated. In summary, the available evidence is currently insufficient to determine the role of this variant in disease. Therefore, it has been classified as a Variant of Uncertain Significance.